The following is an entry in ClinVar:

NM_014141.6(CNTNAP2):c.2380G>A (p.Asp794Asn)

Gene: CNTNAP2 (contactin associated protein 2; plus strand). Cytogenetic location: 7q35.
Variant type: single nucleotide variant.
Coding change: c.2380G>A on transcript NM_014141.6 (MANE Select); coding-DNA position 2380, G replaced by A.
Protein change: p.Asp794Asn; replaces aspartic acid 794 with asparagine.
Molecular consequence: missense variant.
Genome position (GRCh38, 1-based): chr7:147,977,986, G>A. VCF-style: chr7-147977986-G-A. GRCh37 (hg19) VCF-style: chr7-147675078-G-A.
Other names: short protein forms D794N.
Identifiers: ClinVar variation 652813 (VCV000652813.9), dbSNP rs887609185, ClinGen allele CA168795673.

ClinVar aggregate classification (germline): Conflicting classifications of pathogenicity. Review status: criteria provided, conflicting classifications (1 of 4 stars). 2 submissions from 2 submitters: Uncertain significance (1); Likely benign (1). Last evaluated 2025-12-05.

Conditions:
Inborn genetic diseases. Identifiers: MedGen C0950123, MeSH D030342.
Cortical dysplasia-focal epilepsy syndrome (PTHSL1). Also called: Pitt-Hopkins-like syndrome 1. Identifiers: Orphanet 163681, Orphanet 221150, MedGen C2750246, MONDO:0012400, OMIM 610042.

Allele frequency attached by ClinVar (database versions not stated): gnomAD exomes below 0.00001; gnomAD 0.00002; TOPMed 0.00003.
gnomAD v4.1: 4 of 1,613,866 alleles (0.00025%); highest among the groups gnomAD compares: African/African-American, 0.0053%; no homozygotes.

Submissions (2):

Labcorp Genetics (formerly Invitae), Labcorp
Classification: Uncertain significance for Cortical dysplasia-focal epilepsy syndrome. Last evaluated: 2025-12-05. Review status: criteria provided, single submitter. Criteria: Invitae Variant Classification Sherloc (09022015). Collection method: clinical testing. Allele origin: germline.
Comment: This sequence change replaces aspartic acid, which is acidic and polar, with asparagine, which is neutral and polar, at codon 794 of the CNTNAP2 protein (p.Asp794Asn). This variant is present in population databases (no rsID available, gnomAD 0.02%). This variant has not been reported in the literature in individuals affected with CNTNAP2-related conditions. ClinVar contains an entry for this variant (Variation ID: 652813). An algorithm developed to predict the effect of missense changes on protein structure and function (PolyPhen-2) suggests that this variant is likely to be tolerated. In summary, the available evidence is currently insufficient to determine the role of this variant in disease. Therefore, it has been classified as a Variant of Uncertain Significance.

Ambry Genetics
Classification: Likely benign for Inborn genetic diseases. Last evaluated: 2024-03-27. Review status: criteria provided, single submitter. Criteria: Ambry Variant Classification Scheme 2023. Collection method: clinical testing. Allele origin: germline.